The following is an entry in ClinVar:

NM_001384732.1(CPLANE1):c.4034A>G (p.Gln1345Arg)

Gene: CPLANE1 (ciliogenesis and planar polarity effector complex subunit 1; minus strand). Cytogenetic location: 5p13.2.
Variant type: single nucleotide variant.
Coding change: c.4034A>G on transcript NM_001384732.1 (MANE Select); coding-DNA position 4034, A replaced by G.
Protein change: p.Gln1345Arg; replaces glutamine 1345 with arginine.
Molecular consequence: missense variant.
Genome position (GRCh38, 1-based): chr5:37,187,460, T>C on the plus strand (A>G on the coding strand, the complement: CPLANE1 is on the minus strand). VCF-style: chr5-37187460-T-C. GRCh37 (hg19) VCF-style: chr5-37187562-T-C.
Other names: c.4034A>G, p.Gln1345Arg (NM_023073.4); short protein forms Q1345R.
Identifiers: ClinVar variation 224854 (VCV000224854.4), dbSNP rs869312898, ClinGen allele CA357945.

ClinVar aggregate classification (germline): Likely pathogenic. Review status: criteria provided, multiple submitters, no conflicts (2 of 4 stars). 2 submissions from 2 submitters: Likely pathogenic (2). Last evaluated 2024-07-01.

Conditions:
Orofaciodigital syndrome type 6 (OFD6). Also called: OROFACIODIGITAL SYNDROME VI; OFDS VI; POLYDACTYLY, CLEFT LIP/PALATE OR LINGUAL LUMP, AND PSYCHOMOTOR RETARDATION; VARADI SYNDROME; VARADI-PAPP SYNDROME; Oral-facial-digital syndrome type 6. Identifiers: Orphanet 2754, MedGen C2745997, MONDO:0010176, OMIM 277170.

Allele frequency attached by ClinVar (database versions not stated): gnomAD exomes below 0.00001; gnomAD 0.00001.
gnomAD v4.1: 2 of 1,613,686 alleles (0.00012%); highest among the groups gnomAD compares: East Asian, 0.0022%; no homozygotes.

Submissions (2):

Women's Health and Genetics/Laboratory Corporation of America, LabCorp
Classification: Likely pathogenic for Orofaciodigital syndrome type 6. Last evaluated: 2024-07-01. Review status: criteria provided, single submitter. Criteria: LabCorp Variant Classification Summary - May 2015. Collection method: clinical testing. Allele origin: germline.
Comment: Variant summary: CPLANE1 c.4034A>G (p.Gln1345Arg) results in a conservative amino acid change in the encoded protein sequence. Three of five in-silico tools predict a damaging effect of the variant on protein function. The variant allele was found at a frequency of 1.2e-06 in 1613686 control chromosomes. c.4034A>G has been reported in the literature in 2 homozygous family members (Bayram_2015) and at least one unrelated compound heterozygous individual (Romani_2015) affected with Orofaciodigital Syndrome 6. These data indicate that the variant is likely to be associated with disease. To our knowledge, no experimental evidence demonstrating an impact on protein function has been reported. The following publications have been ascertained in the context of this evaluation (PMID: 25407461, 25846457). ClinVar contains an entry for this variant (Variation ID: 224854). Based on the evidence outlined above, the variant was classified as likely pathogenic.

Lupski Lab, Baylor-Hopkins CMG, Baylor College of Medicine
Classification: Likely pathogenic for Orofaciodigital syndrome type 6. Last evaluated: 2015-09-01. Review status: criteria provided, single submitter. Criteria: Bayram et al. (AJMG A 2015). Collection method: research. Allele origin: germline. Inheritance: Autosomal recessive inheritance. Affected: yes and no. Observed: 4 variant alleles, 2 heterozygotes, 2 homozygotes.

Literature cited by the submitters: PubMed 25407461 (cited by Women's Health and Genetics/Laboratory Corporation of America, LabCorp); PubMed 25846457 (cited by Women's Health and Genetics/Laboratory Corporation of America, LabCorp).